The following is an entry in ClinVar:

NM_000834.5(GRIN2B):c.877G>A (p.Val293Met)

Gene: GRIN2B (glutamate ionotropic receptor NMDA type subunit 2B; minus strand). Cytogenetic location: 12p13.1.
Variant type: single nucleotide variant.
Coding change: c.877G>A on transcript NM_000834.5 (MANE Select); coding-DNA position 877, G replaced by A.
Protein change: p.Val293Met; replaces valine 293 with methionine.
Molecular consequence: missense variant.
Genome position (GRCh38, 1-based): chr12:13,753,450, C>T on the plus strand (G>A on the coding strand, the complement: GRIN2B is on the minus strand). VCF-style: chr12-13753450-C-T. GRCh37 (hg19) VCF-style: chr12-13906384-C-T.
Other names: c.877G>A, p.Val293Met (NM_001413992.1, NM_001413993.1, NM_001413994.1 and 1 more transcripts); c.877G>A (NM_000834.3); short protein forms V293M.
Identifiers: ClinVar variation 2156024 (VCV002156024.6), dbSNP rs1863521989, ClinGen allele CA384053245.

ClinVar aggregate classification (germline): Uncertain significance. Review status: criteria provided, multiple submitters, no conflicts (2 of 4 stars). 2 submissions from 2 submitters: Uncertain significance (2). Last evaluated 2025-03-31.

Conditions:
Developmental and epileptic encephalopathy, 27 (DEE27). Also called: GRIN2B-Related Neurodevelopmental Disorder; Epileptic encephalopathy, early infantile, 27. Identifiers: Orphanet 3451, MedGen C4015316, MONDO:0014505, OMIM 616139.
Intellectual developmental disorder, autosomal dominant 6, with or without seizures. Also called: Intellectual disability, autosomal dominant 6; GRIN2B-related developmental delay, intellectual disability and autism spectrum disorder. Identifiers: Orphanet 589547, MedGen C3151411, MONDO:0013509, OMIM 613970.

Allele frequency attached by ClinVar (database versions not stated): TOPMed below 0.00001.

Submissions (2):

Labcorp Genetics (formerly Invitae), Labcorp
Classification: Uncertain significance for Developmental and epileptic encephalopathy, 27; Intellectual developmental disorder, autosomal dominant 6, with or without seizures. Last evaluated: 2025-03-31. Review status: criteria provided, single submitter. Criteria: Invitae Variant Classification Sherloc (09022015). Collection method: clinical testing. Allele origin: germline.
Comment: This sequence change replaces valine, which is neutral and non-polar, with methionine, which is neutral and non-polar, at codon 293 of the GRIN2B protein (p.Val293Met). This variant is not present in population databases (gnomAD no frequency). This variant has not been reported in the literature in individuals affected with GRIN2B-related conditions. ClinVar contains an entry for this variant (Variation ID: 2156024). Invitae Evidence Modeling of protein sequence and biophysical properties (such as structural, functional, and spatial information, amino acid conservation, physicochemical variation, residue mobility, and thermodynamic stability) has been performed for this missense variant. However, the output from this modeling did not meet the statistical confidence thresholds required to predict the impact of this variant on GRIN2B protein function. In summary, the available evidence is currently insufficient to determine the role of this variant in disease. Therefore, it has been classified as a Variant of Uncertain Significance.

GeneDx
Classification: Uncertain significance. Last evaluated: 2024-10-23. Review status: criteria provided, single submitter. Criteria: GeneDx Variant Classification Process June 2021. Collection method: clinical testing. Allele origin: germline.
Comment: Not observed at significant frequency in large population cohorts (gnomAD); In silico analysis supports that this missense variant has a deleterious effect on protein structure/function; Has not been previously published as pathogenic or benign to our knowledge